The following is an entry in ClinVar:

ClinVar aggregate classification (germline): Uncertain significance (1 of 4 stars; one submission).

Submission:

Labcorp Genetics (formerly Invitae), Labcorp
Classification: Uncertain significance. Last evaluated: 2025-06-16. Review status: criteria provided, single submitter. Criteria: Invitae Variant Classification Sherloc (09022015). Collection method: clinical testing. Allele origin: germline.
Comment: This sequence change replaces valine, which is neutral and non-polar, with isoleucine, which is neutral and non-polar, at codon 529 of the ACAD9 protein (p.Val529Ile). This variant is not present in population databases (gnomAD no frequency). This variant has not been reported in the literature in individuals affected with ACAD9-related conditions. Invitae Evidence Modeling of protein sequence and biophysical properties (such as structural, functional, and spatial information, amino acid conservation, physicochemical variation, residue mobility, and thermodynamic stability) indicates that this missense variant is not expected to disrupt ACAD9 protein function with a negative predictive value of 80%. In summary, the available evidence is currently insufficient to determine the role of this variant in disease. Therefore, it has been classified as a Variant of Uncertain Significance.

NM_014049.5(ACAD9):c.1585G>A (p.Val529Ile)

Genes: ACAD9 (acyl-CoA dehydrogenase family member 9; plus strand), CFAP92 (cilia and flagella associated protein 92 (putative); minus strand). Cytogenetic location: 3q21.3.
Variant type: single nucleotide variant.
Coding change: c.1585G>A on transcript NM_014049.5 (MANE Select); coding-DNA position 1585, G replaced by A.
Protein change: p.Val529Ile; replaces valine 529 with isoleucine.
Molecular consequence: missense variant. On other transcripts: non-coding transcript variant (1), 3 prime UTR variant (3).
Genome position (GRCh38, 1-based): chr3:128,910,042, G>A. VCF-style: chr3-128910042-G-A. GRCh37 (hg19) VCF-style: chr3-128628885-G-A.
Other names: c.1216G>A, p.Val406Ile (NM_001410805.1); c.*257C>T (NM_001348520.2, NM_001348521.2, NM_001394090.1); short protein forms V529I, V406I.
Identifiers: ClinVar variation 4737041 (VCV004737041.1).
Genomic context (GRCh38, chr3:128,910,042, plus strand): 5'-TAGGTAGTGAGTCCCCACTTGGAGCCTCTGTGATCCCAGACCATCATGGAGGAGCAGCTG[G>A]TACTGAAGCGGGTGGCCAACATCCTCATCAACCTGTATGGCATGACGGCCGTGCTGTCGC-3'
Protein context (NP_054768.2, residues 519-539): FGKTIMEEQL[Val529Ile]LKRVANILIN